The following is an entry in ClinVar:

NM_000206.3(IL2RG):c.328del (p.Glu110fs)

Gene: IL2RG (interleukin 2 receptor subunit gamma; minus strand). Cytogenetic location: Xq13.1.
Variant type: Deletion.
Coding change: c.328del on transcript NM_000206.3 (MANE Select); coding-DNA position 328, one base deleted (G; older notation c.328delG).
Protein change: p.Glu110fs; shifts the reading frame from glutamic acid 110.
Molecular consequence: frameshift variant.
Genome position (GRCh38, 1-based): chrX:71,110,630, C deleted on the plus strand (G on the coding strand, the reverse complement: IL2RG is on the minus strand). VCF-style (leftmost placement, unchanged base first): chrX-71110629-TC-T. GRCh37 (hg19) VCF-style: chrX-70330479-TC-T.
Other names: c.328delG (NM_000206.2); short protein forms E110fs.
Identifiers: ClinVar variation 418645 (VCV000418645.2), dbSNP rs1064793338, ClinGen allele CA16621486.

ClinVar aggregate classification (germline): Pathogenic (1 of 4 stars; one submission).

Submission:

GeneDx
Classification: Pathogenic. Last evaluated: 2015-03-05. Review status: criteria provided, single submitter. Criteria: GeneDx Variant Classification (06012015). Collection method: clinical testing. Allele origin: germline. Affected: yes.
Comment: The c.328delG variant in the IL2RG gene has been reported previously as c.342delG in association withX-linked Severe Combined Immunodeficiency (Niemela et al., 2000). The deletion causes a frameshift starting with codon Glutamic acid 110, changes this aminoacid to a Lysine residue and creates a premature Stop codon at position 37 of the new reading frame,denoted p.Glu110LysfsX37. This variant is predicted to cause loss of normal protein function eitherthrough protein truncation or nonsense-mediated mRNA decay. The c.328delG deletion was not observedin approximately 6,500 individuals of European and African American ancestry in the NHLBI ExomeSequencing Project, indicating it is not a common benign variant in these populations. Therefore, we interpret this variant to be pathogenic.